The following is an entry in ClinVar:

ClinVar aggregate classification (germline): Conflicting classifications of pathogenicity. Review status: criteria provided, conflicting classifications (1 of 4 stars). 2 submissions from 2 submitters: Uncertain significance (1); Likely benign (1). Last evaluated 2026-05-18.

Conditions:
Inborn genetic diseases. Identifiers: MedGen C0950123, MeSH D030342.

gnomAD v4.1: 183 of 1,613,912 alleles (0.011%); highest among the groups gnomAD compares: East Asian, 0.37%; 1 homozygote.

Submissions (2):

Women's Health and Genetics/Laboratory Corporation of America, LabCorp
Classification: Likely benign. Last evaluated: 2026-05-18. Review status: criteria provided, single submitter. Criteria: LabCorp Variant Classification Summary - May 2015. Collection method: clinical testing. Allele origin: germline.
Comment: Variant summary: AFF3 c.2371G>A (p.Ala791Thr) results in a non-conservative amino acid change in the encoded protein sequence. Algorithms developed to predict the effect of missense changes on protein structure and function are either unavailable or do not agree on the potential impact of this missense change. The variant allele was found at a frequency of 0.00011 in 1613912 control chromosomes, predominantly at a frequency of 0.0037 within the East Asian subpopulation in the gnomAD database, including 1 homozygote. The observed variant frequency within East Asian control individuals in the gnomAD database exceeds the estimated maximal expected allele frequency for disease-causing variants in AFF3. To our knowledge, no occurrence of c.2371G>A in individuals affected with AFF3-related conditions and no experimental evidence demonstrating its impact on protein function have been reported. ClinVar contains an entry for this variant (Variation ID: 4247682). Based on the evidence outlined above, the variant was classified as likely benign.

Ambry Genetics
Classification: Uncertain significance for Inborn genetic diseases. Last evaluated: 2025-08-26. Review status: criteria provided, single submitter. Criteria: Ambry Variant Classification Scheme 2023. Collection method: clinical testing. Allele origin: germline.

NM_001386135.1(AFF3):c.2371G>A (p.Ala791Thr)

Gene: AFF3 (ALF transcription elongation factor 3; minus strand). Cytogenetic location: 2q11.2.
Variant type: single nucleotide variant.
Coding change: c.2371G>A on transcript NM_001386135.1 (MANE Select); coding-DNA position 2371, G replaced by A.
Protein change: p.Ala791Thr; replaces alanine 791 with threonine.
Molecular consequence: missense variant.
Genome position (GRCh38, 1-based): chr2:99,593,290, C>T on the plus strand (G>A on the coding strand, the complement: AFF3 is on the minus strand). VCF-style: chr2-99593290-C-T. GRCh37 (hg19) VCF-style: chr2-100209752-C-T.
Other names: c.2371G>A, p.Ala791Thr (NM_002285.3); c.2446G>A, p.Ala816Thr (NM_001025108.2); short protein forms A816T, A791T.
Identifiers: ClinVar variation 4247682 (VCV004247682.2).
Genomic context (GRCh38, chr2:99,593,290, plus strand): 5'-CTGCAGGTGTGTCCGAGGTGTGGCTGGGCGGTGCGCTCTCAGAGTCCTTGGTGGCAGGGG[C>T]GCTCAATACCCCTGGCTCCTGGGGCAGGTGTTCTGGGATCCTGGACAGGAGGGTCAGGTC-3'
Protein context (NP_001373064.1, residues 781-801): HLPQEPGVLS[Ala791Thr]PATKDSESAP